The following is an entry in ClinVar:

NM_000264.5(PTCH1):c.560G>T (p.Arg187Leu)

Gene: PTCH1 (patched 1; minus strand). Cytogenetic location: 9q22.32.
Variant type: single nucleotide variant.
Coding change: c.560G>T on transcript NM_000264.5 (MANE Select); coding-DNA position 560, G replaced by T.
Protein change: p.Arg187Leu; replaces arginine 187 with leucine.
Molecular consequence: missense variant. On other transcripts: non-coding transcript variant (1).
Genome position (GRCh38, 1-based): chr9:95,485,709, C>A on the plus strand (G>T on the coding strand, the complement: PTCH1 is on the minus strand). VCF-style: chr9-95485709-C-A. GRCh37 (hg19) VCF-style: chr9-98247991-C-A.
Other names: c.107G>T, p.Arg36Leu (NM_001083606.3, NM_001083607.3, NM_001083604.3 and 1 more transcripts); c.362G>T, p.Arg121Leu (NM_001083602.3, NM_001354919.2); c.557G>T, p.Arg186Leu (NM_001083603.3); c.560G>T, p.Arg187Leu (NM_001354918.2); short protein forms R121L, R186L, R187L, R36L.
Identifiers: ClinVar variation 825849 (VCV000825849.5), dbSNP rs138034434, ClinGen allele CA374116656.

ClinVar aggregate classification (germline): Uncertain significance (1 of 4 stars; one submission).

Conditions:
Hereditary cancer-predisposing syndrome. Also called: Neoplastic Syndromes, Hereditary; Tumor predisposition; Hereditary neoplastic syndrome; Hereditary Cancer Syndrome. Identifiers: Orphanet 140162, MedGen C0027672, MeSH D009386, MONDO:0015356.

Submission:

Ambry Genetics
Classification: Uncertain significance for Hereditary cancer-predisposing syndrome. Last evaluated: 2025-07-14. Review status: criteria provided, single submitter. Criteria: Ambry Variant Classification Scheme 2023. Collection method: clinical testing. Allele origin: germline.
Comment: The p.R187L variant (also known as c.560G>T), located in coding exon 3 of the PTCH1 gene, results from a G to T substitution at nucleotide position 560. The arginine at codon 187 is replaced by leucine, an amino acid with dissimilar properties. This amino acid position is well conserved in available vertebrate species. In addition, the in silico prediction for this alteration is inconclusive. Since supporting evidence is limited at this time, the clinical significance of this alteration remains unclear.